The following is an entry in ClinVar:

ClinVar aggregate classification (germline): Likely benign. Review status: criteria provided, single submitter (1 of 4 stars). 3 submissions from 3 submitters: Likely benign (1). 2 of the submissions do not count toward it. Last evaluated 2025-12-16.

Conditions:
MYSM1-related disorder. Also called: MYSM1-related condition.

Allele frequency attached by ClinVar (database versions not stated): gnomAD 0.00004 and 0.00021; TOPMed 0.00007; gnomAD exomes 0.00028 and 0.00053; 1000 Genomes Project 30x 0.00094; ExAC 0.00060; 1000 Genomes Project 0.00080.
gnomAD v4.1: 436 of 1,613,224 alleles (0.027%); highest among the groups gnomAD compares: South Asian, 0.44%; 4 homozygotes.

Submissions (3):

Labcorp Genetics (formerly Invitae), Labcorp
Classification: Likely benign. Last evaluated: 2025-12-16. Review status: criteria provided, single submitter. Criteria: Invitae Variant Classification Sherloc (09022015). Collection method: clinical testing. Allele origin: germline.

PreventionGenetics, part of Exact Sciences
Classification: Likely benign for MYSM1-related condition. Last evaluated: 2020-07-21. Review status: no assertion criteria provided. Collection method: clinical testing. Allele origin: germline. Not counted in ClinVar's aggregate classification.
Comment: This variant is classified as likely benign based on ACMG/AMP sequence variant interpretation guidelines (Richards et al. 2015 PMID: 25741868, with internal and published modifications).

Department of Pathology and Laboratory Medicine, Sinai Health System
Classification: Uncertain significance. Review status: no assertion criteria provided. Collection method: clinical testing. Allele origin: unknown. Affected: yes. Study: The Canadian Open Genetics Repository (COGR). Not counted in ClinVar's aggregate classification.
Comment: The MYSM1 p.Arg766Cys variant was not identified in the literature nor was it identified in ClinVar. The variant was identified in dbSNP (ID: rs141454457) and in control databases in 135 of 280152 chromosomes (1 homozygous) at a frequency of 0.0004819 increasing the likelihood this could be a low frequency benign variant (Genome Aggregation Database March 6, 2019, v2.1.1). The variant was observed in the following populations: South Asian in 130 of 30576 chromosomes (freq: 0.004252), Other in 2 of 7126 chromosomes (freq: 0.000281), African in 2 of 24168 chromosomes (freq: 0.000083) and Latino in 1 of 35278 chromosomes (freq: 0.000028), but was not observed in the Ashkenazi Jewish, East Asian, European (Finnish), or European (non-Finnish) populations. Although the p.Arg766 residue is not conserved in mammals and other organisms, computational analyses (PolyPhen-2, SIFT, AlignGVGD, BLOSUM, MutationTaster) suggest that the variant may impact the protein. The variant occurs outside of the splicing consensus sequence and in silico or computational prediction software programs (SpliceSiteFinder, MaxEntScan, NNSPLICE, GeneSplicer) do not predict a difference in splicing. In summary, based on the above information the clinical significance of this variant cannot be determined with certainty at this time. This variant is classified as a variant of uncertain significance.

NM_001085487.3(MYSM1):c.2296C>T (p.Arg766Cys)

Gene: MYSM1 (Myb like, SWIRM and MPN domains 1; minus strand). Cytogenetic location: 1p32.1.
Variant type: single nucleotide variant.
Coding change: c.2296C>T on transcript NM_001085487.3 (MANE Select); coding-DNA position 2296, C replaced by T.
Protein change: p.Arg766Cys; replaces arginine 766 with cysteine.
Molecular consequence: missense variant.
Genome position (GRCh38, 1-based): chr1:58,661,202, G>A on the plus strand (C>T on the coding strand, the complement: MYSM1 is on the minus strand). VCF-style: chr1-58661202-G-A. GRCh37 (hg19) VCF-style: chr1-59126874-G-A.
Other names: c.2296C>T (NM_001085487.2); short protein forms R766C.
Identifiers: ClinVar variation 69260 (VCV000069260.11), dbSNP rs141454457, ClinGen allele CA877555.